The following is an entry in ClinVar:

NM_001852.4(COL9A2):c.1792+5G>A

Gene: COL9A2 (collagen type IX alpha 2 chain; minus strand). Cytogenetic location: 1p34.2.
Variant type: single nucleotide variant.
Coding change: c.1792+5G>A on transcript NM_001852.4 (MANE Select); 5 bases into the intron after coding-DNA position 1792, G replaced by A.
Molecular consequence: intron variant.
Genome position (GRCh38, 1-based): chr1:40,302,616, C>T on the plus strand (G>A on the coding strand, the complement: COL9A2 is on the minus strand). VCF-style: chr1-40302616-C-T. GRCh37 (hg19) VCF-style: chr1-40768288-C-T.
Identifiers: ClinVar variation 1964384 (VCV001964384.6), dbSNP rs778785230, ClinGen allele CA791338.
Genomic context (GRCh38, chr1:40,302,616, plus strand): 5'-GAAAGGGCCGGCCTGGACAAATCCTCACTGCCTGGCCCCCATGCCCACCGCAGAGGAGCA[C>T]TCACCCTTGGGCCCCGTGTTGCCGATCTGACCCACGGCTCCCACGATGCCAGGAACGCCC-3'

ClinVar aggregate classification (germline): Uncertain significance. Review status: criteria provided, multiple submitters, no conflicts (2 of 4 stars). 2 submissions from 2 submitters: Uncertain significance (2). Last evaluated 2025-06-30.

Allele frequency attached by ClinVar (database versions not stated): gnomAD 0.00002; ExAC 0.00004.
gnomAD v4.1: 46 of 1,597,194 alleles (0.0029%); highest among the groups gnomAD compares: Non-Finnish European, 0.0037%; no homozygotes.

Submissions (2):

Labcorp Genetics (formerly Invitae), Labcorp
Classification: Uncertain significance. Last evaluated: 2025-06-30. Review status: criteria provided, single submitter. Criteria: Invitae Variant Classification Sherloc (09022015). Collection method: clinical testing. Allele origin: germline.
Comment: This sequence change falls in intron 30 of the COL9A2 gene. It does not directly change the encoded amino acid sequence of the COL9A2 protein. It affects a nucleotide within the consensus splice site. This variant is present in population databases (rs778785230, gnomAD 0.005%). This variant has not been reported in the literature in individuals affected with COL9A2-related conditions. ClinVar contains an entry for this variant (Variation ID: 1964384). Variants that disrupt the consensus splice site are a relatively common cause of aberrant splicing (PMID: 17576681, 9536098). Algorithms developed to predict the effect of sequence changes on RNA splicing suggest that this variant may disrupt the consensus splice site. In summary, the available evidence is currently insufficient to determine the role of this variant in disease. Therefore, it has been classified as a Variant of Uncertain Significance.

Women's Health and Genetics/Laboratory Corporation of America, LabCorp
Classification: Uncertain significance. Last evaluated: 2023-10-11. Review status: criteria provided, single submitter. Criteria: LabCorp Variant Classification Summary - May 2015. Collection method: clinical testing. Allele origin: germline.
Comment: Variant summary: COL9A2 c.1792+5G>A alters a conserved nucleotide located close to a canonical splice site and therefore could affect mRNA splicing, leading to a significantly altered protein sequence. Several computational tools predict a significant impact on normal splicing: Four predict the variant weakens a 5' donor site. However, these predictions have yet to be confirmed by functional studies. The variant allele was found at a frequency of 1.8e-05 in 223596 control chromosomes (gnomAD). The available data on variant occurrences in the general population are insufficient to allow any conclusion about variant significance. To our knowledge, no occurrence of c.1792+5G>A in individuals affected with Epiphyseal dysplasia, multiple, 2 and no experimental evidence demonstrating its impact on protein function have been reported. One submitter has cited clinical-significance assessments for this variant to ClinVar after 2014 and has classified the variant as uncertain significance. Based on the evidence outlined above, the variant was classified as uncertain significance.

Literature cited by the submitters: PubMed 17576681 (cited by Labcorp Genetics (formerly Invitae), Labcorp); PubMed 9536098 (cited by Labcorp Genetics (formerly Invitae), Labcorp).